The following is an entry in ClinVar:

NC_000009.12:g.35658010G>C

Gene: RMRP (RNA component of mitochondrial RNA processing endoribonuclease; minus strand). Cytogenetic location: 9p13.3.
Variant type: single nucleotide variant.
Genome position: GRCh38 VCF-style: chr9-35658010-G-C. GRCh37 (hg19) VCF-style: chr9-35658007-G-C.
Identifiers: ClinVar variation 1388116 (VCV001388116.3), dbSNP rs893651141, ClinGen allele CA464451077.

ClinVar aggregate classification (germline): Uncertain significance (1 of 4 stars; one submission).

Conditions:
Anauxetic dysplasia. Identifiers: Orphanet 93347, MedGen C1846796, MONDO:0011773.

gnomAD v4.1: 2 of 692,584 alleles (0.00029%); highest among the groups gnomAD compares: Admixed American, 0.002%; no homozygotes.

Submission:

Labcorp Genetics (formerly Invitae), Labcorp
Classification: Uncertain significance for Anauxetic dysplasia. Last evaluated: 2021-02-15. Review status: criteria provided, single submitter. Criteria: Invitae Variant Classification Sherloc (09022015). Collection method: clinical testing. Allele origin: germline.
Comment: This variant occurs in the RMRP gene, which encodes an RNA molecule that does not result in a protein product. The frequency data for this variant in the population databases is considered unreliable, as metrics indicate insufficient coverage at this position in the ExAC database. This variant has not been reported in the literature in individuals with RMRP-related conditions. Experimental studies and prediction algorithms are not available or were not evaluated, and the functional significance of this variant is currently unknown. In summary, the available evidence is currently insufficient to determine the role of this variant in disease. Therefore, it has been classified as a Variant of Uncertain Significance.